The following is an entry in ClinVar:

ClinVar aggregate classification (germline): Uncertain significance (1 of 4 stars; one submission).

Conditions:
DNAH2-related disorder. Also called: DNAH2-related condition.

gnomAD v4.1: 4 of 1,612,920 alleles (0.00025%); highest among the groups gnomAD compares: Non-Finnish European, 0.00034%; no homozygotes.

Submission:

PreventionGenetics, part of Exact Sciences
Classification: Uncertain significance for DNAH2-related condition. Last evaluated: 2025-02-04. Review status: criteria provided, single submitter. Criteria: ACMG Guidelines, 2015. Collection method: clinical testing. Allele origin: germline.
Comment: The DNAH2 c.8284G>A variant is predicted to result in the amino acid substitution p.Gly2762Ser. To our knowledge, this variant has not been reported in the literature. This variant is reported in 0.0065% of alleles in individuals of European (Non-Finnish) descent in gnomAD. At this time, the clinical significance of this variant is uncertain due to the absence of conclusive functional and genetic evidence.

NM_020877.5(DNAH2):c.8284G>A (p.Gly2762Ser)

Gene: DNAH2 (dynein axonemal heavy chain 2; plus strand). Cytogenetic location: 17p13.1.
Variant type: single nucleotide variant.
Coding change: c.8284G>A on transcript NM_020877.5 (MANE Select); coding-DNA position 8284, G replaced by A.
Protein change: p.Gly2762Ser; replaces glycine 2762 with serine.
Molecular consequence: missense variant.
Genome position (GRCh38, 1-based): chr17:7,798,210, G>A. VCF-style: chr17-7798210-G-A. GRCh37 (hg19) VCF-style: chr17-7701528-G-A.
Other names: short protein forms G2762S.
Identifiers: ClinVar variation 4986814 (VCV004986814.1).